The following is an entry in ClinVar:

ClinVar aggregate classification (germline): Uncertain significance (1 of 4 stars; one submission).

Conditions:
Hypertrophic cardiomyopathy 26. Also called: Cardiomyopathy, familial hypertrophic, 26. Identifiers: Orphanet 75249, MedGen C4310749, MONDO:0014883, OMIM 617047.
Myofibrillar myopathy 5. Also called: FILAMINOPATHY, AUTOSOMAL DOMINANT; Filaminopathy (type). Identifiers: Orphanet 171445, MedGen C1836050, MONDO:0012289, OMIM 609524.
Distal myopathy with posterior leg and anterior hand involvement. Also called: WILLIAMS DISTAL MYOPATHY. Identifiers: Orphanet 63273, MedGen C3279722, MONDO:0013550, OMIM 614065.

Submission:

Labcorp Genetics (formerly Invitae), Labcorp
Classification: Uncertain significance for Distal myopathy with posterior leg and anterior hand involvement; Myofibrillar myopathy 5; Hypertrophic cardiomyopathy 26. Last evaluated: 2024-08-11. Review status: criteria provided, single submitter. Criteria: Invitae Variant Classification Sherloc (09022015). Collection method: clinical testing. Allele origin: germline.
Comment: This sequence change replaces serine, which is neutral and polar, with phenylalanine, which is neutral and non-polar, at codon 2477 of the FLNC protein (p.Ser2477Phe). This variant is not present in population databases (gnomAD no frequency). This variant has not been reported in the literature in individuals affected with FLNC-related conditions. ClinVar contains an entry for this variant (Variation ID: 1468297). Advanced modeling of protein sequence and biophysical properties (such as structural, functional, and spatial information, amino acid conservation, physicochemical variation, residue mobility, and thermodynamic stability) performed at Invitae indicates that this missense variant is not expected to disrupt FLNC protein function with a negative predictive value of 95%. In summary, the available evidence is currently insufficient to determine the role of this variant in disease. Therefore, it has been classified as a Variant of Uncertain Significance.

NM_001458.5(FLNC):c.7430C>T (p.Ser2477Phe)

Genes: FLNC (filamin C; plus strand), FLNC-AS1 (FLNC antisense RNA 1; minus strand). Cytogenetic location: 7q32.1.
Variant type: single nucleotide variant.
Coding change: c.7430C>T on transcript NM_001458.5 (MANE Select); coding-DNA position 7430, C replaced by T.
Protein change: p.Ser2477Phe; replaces serine 2477 with phenylalanine.
Molecular consequence: missense variant.
Genome position (GRCh38, 1-based): chr7:128,856,790, C>T. VCF-style: chr7-128856790-C-T. GRCh37 (hg19) VCF-style: chr7-128496844-C-T.
Other names: c.7331C>T, p.Ser2444Phe (NM_001127487.2); short protein forms S2444F, S2477F.
Identifiers: ClinVar variation 1468297 (VCV001468297.6), dbSNP rs2128940229, ClinGen allele CA369217341.